The following is an entry in ClinVar:

ClinVar aggregate classification (germline): Uncertain significance. Review status: criteria provided, multiple submitters, no conflicts (2 of 4 stars). 2 submissions from 2 submitters: Uncertain significance (2). Last evaluated 2024-03-04.

Conditions:
Muscular dystrophy-dystroglycanopathy (congenital with brain and eye anomalies), type a, 8 (MDDGA8). Also called: WALKER-WARBURG SYNDROME OR MUSCLE-EYE-BRAIN DISEASE, GTDC2-RELATED. Identifiers: Orphanet 899, MedGen C3553813, MONDO:0013904, OMIM 614830.
Inborn genetic diseases. Identifiers: MedGen C0950123, MeSH D030342.

Allele frequency attached by ClinVar (database versions not stated): gnomAD 0.00006 and 0.00007; TOPMed 0.00012; ESP Exome Variant Server 0.00015; 1000 Genomes Project 0.00020; 1000 Genomes Project 30x 0.00031.

Submissions (2):

Ambry Genetics
Classification: Uncertain significance for Inborn genetic diseases. Last evaluated: 2024-03-04. Review status: criteria provided, single submitter. Criteria: Ambry Variant Classification Scheme 2023. Collection method: clinical testing. Allele origin: germline.

Labcorp Genetics (formerly Invitae), Labcorp
Classification: Uncertain significance for Muscular dystrophy-dystroglycanopathy (congenital with brain and eye anomalies), type a, 8. Last evaluated: 2022-08-23. Review status: criteria provided, single submitter. Criteria: Invitae Variant Classification Sherloc (09022015). Collection method: clinical testing. Allele origin: germline.
Comment: This sequence change replaces arginine, which is basic and polar, with cysteine, which is neutral and slightly polar, at codon 141 of the POMGNT2 protein (p.Arg141Cys). This variant is present in population databases (rs150758981, gnomAD 0.04%). This variant has not been reported in the literature in individuals affected with POMGNT2-related conditions. ClinVar contains an entry for this variant (Variation ID: 473278). Algorithms developed to predict the effect of missense changes on protein structure and function are either unavailable or do not agree on the potential impact of this missense change (SIFT: "Deleterious"; PolyPhen-2: "Benign"; Align-GVGD: "Class C55"). In summary, the available evidence is currently insufficient to determine the role of this variant in disease. Therefore, it has been classified as a Variant of Uncertain Significance.

NM_032806.6(POMGNT2):c.421C>T (p.Arg141Cys)

Gene: POMGNT2 (protein O-linked mannose N-acetylglucosaminyltransferase 2 (beta 1,4-); minus strand). Cytogenetic location: 3p22.1.
Variant type: single nucleotide variant.
Coding change: c.421C>T on transcript NM_032806.6 (MANE Select); coding-DNA position 421, C replaced by T.
Protein change: p.Arg141Cys; replaces arginine 141 with cysteine.
Molecular consequence: missense variant.
Genome position (GRCh38, 1-based): chr3:43,081,011, G>A on the plus strand (C>T on the coding strand, the complement: POMGNT2 is on the minus strand). VCF-style: chr3-43081011-G-A. GRCh37 (hg19) VCF-style: chr3-43122503-G-A.
Other names: c.421C>T (NM_032806.4); short protein forms R141C.
Identifiers: ClinVar variation 473278 (VCV000473278.7), dbSNP rs150758981, ClinGen allele CA2340086.
Genomic context (GRCh38, chr3:43,081,011, plus strand): 5'-GGTTGAAGCGGTTGGCGATGAGGGCCACGTCTGGCACGAACACCGGCTTGGGCATGAAGC[G>A]CAGGGCAGCAGCAGGCAGCTCCACGAAGTTGAAGTACTGAGTGTTGTGGTCCTCCACGGT-3'
Protein context (NP_116195.2, residues 131-151): NFVELPAAAL[Arg141Cys]FMPKPVFVPD